The following is an entry in ClinVar:

NC_000011.9:g.(?_108098352)_(108192167_?)dup

Gene: ATM (ATM serine/threonine kinase; plus strand). Cytogenetic location: 11q22.3.
Variant type: Duplication.
Identifiers: ClinVar variation 3244495 (VCV003244495.1).

ClinVar aggregate classification (germline): Uncertain significance (1 of 4 stars; one submission).

Conditions:
Ataxia-telangiectasia syndrome (AT). Also called: LOUIS-BAR SYNDROME; Cerebello-oculocutaneous telangiectasia; Immunodeficiency with ataxia telangiectasia; AT, COMPLEMENTATION GROUP C; Ataxia-telangiectasia, complementation group D; ATAXIA-TELANGIECTASIA, COMPLEMENTATION GROUP A. Identifiers: Orphanet 100, MedGen C0004135, MONDO:0008840, OMIM 208900.

Submission:

Labcorp Genetics (formerly Invitae), Labcorp
Classification: Uncertain significance for Ataxia-telangiectasia syndrome. Last evaluated: 2023-06-12. Review status: criteria provided, single submitter. Criteria: Invitae Variant Classification Sherloc (09022015). Collection method: clinical testing. Allele origin: unknown.
Comment: This variant results in a copy number gain of the genomic region encompassing exon(s) 2-45 of the ATM gene. This region includes the initiator codon of the gene. This copy number gain extends beyond the assayed region for this gene and therefore may encompass additional genes. As the precise location of this event is unknown, it may be in tandem or it may be located elsewhere in the genome. This variant has not been reported in the literature in individuals affected with ATM-related conditions. In summary, the available evidence is currently insufficient to determine the role of this variant in disease. Therefore, it has been classified as a Variant of Uncertain Significance. Experimental studies and prediction algorithms are not available or were not evaluated, and the functional significance of this variant is currently unknown.